The following is an entry in ClinVar:

NM_006415.4(SPTLC1):c.533A>G (p.Tyr178Cys)

Gene: SPTLC1 (serine palmitoyltransferase long chain base subunit 1; minus strand). Cytogenetic location: 9q22.31.
Variant type: single nucleotide variant.
Coding change: c.533A>G on transcript NM_006415.4 (MANE Select); coding-DNA position 533, A replaced by G.
Protein change: p.Tyr178Cys; replaces tyrosine 178 with cysteine.
Molecular consequence: missense variant.
Genome position (GRCh38, 1-based): chr9:92,067,993, T>C on the plus strand (A>G on the coding strand, the complement: SPTLC1 is on the minus strand). VCF-style: chr9-92067993-T-C. GRCh37 (hg19) VCF-style: chr9-94830275-T-C.
Other names: c.533A>G, p.Tyr178Cys (NM_001281303.2); c.167A>G, p.Tyr56Cys (NM_001368272.1); c.68A>G, p.Tyr23Cys (NM_001368273.1); short protein forms Y178C, Y23C, Y56C.
Identifiers: ClinVar variation 2198406 (VCV002198406.4), dbSNP rs780656777, ClinGen allele CA5121519.

ClinVar aggregate classification (germline): Uncertain significance (1 of 4 stars; one submission).

Conditions:
Hereditary sensory and autonomic neuropathy type 1 (HSAN1). Also called: HSAN 1; HSN Type I; Hereditary Sensory Neuropathy Type I. Identifiers: Orphanet 36386, MedGen C0020071, MONDO:0018213.

Allele frequency attached by ClinVar (database versions not stated): ExAC 0.00002; gnomAD 0.00001.
gnomAD v4.1: 10 of 1,614,010 alleles (0.00062%); highest among the groups gnomAD compares: Non-Finnish European, 0.00085%; no homozygotes.

Submission:

Labcorp Genetics (formerly Invitae), Labcorp
Classification: Uncertain significance for Hereditary sensory and autonomic neuropathy type 1. Last evaluated: 2025-12-10. Review status: criteria provided, single submitter. Criteria: Invitae Variant Classification Sherloc (09022015). Collection method: clinical testing. Allele origin: germline.
Comment: This sequence change replaces tyrosine, which is neutral and polar, with cysteine, which is neutral and slightly polar, at codon 178 of the SPTLC1 protein (p.Tyr178Cys). This variant is present in population databases (rs780656777, gnomAD 0.002%). This variant has not been reported in the literature in individuals affected with SPTLC1-related conditions. ClinVar contains an entry for this variant (Variation ID: 2198406). Invitae Evidence Modeling of protein sequence and biophysical properties (such as structural, functional, and spatial information, amino acid conservation, physicochemical variation, residue mobility, and thermodynamic stability) indicates that this missense variant is expected to disrupt SPTLC1 protein function with a positive predictive value of 80%. In summary, the available evidence is currently insufficient to determine the role of this variant in disease. Therefore, it has been classified as a Variant of Uncertain Significance.